The following is an entry in ClinVar:

NM_002658.6(PLAU):c.897C>T (p.Cys299=)

Genes: C10orf55 (chromosome 10 putative open reading frame 55; minus strand), PLAU (plasminogen activator, urokinase; plus strand). Cytogenetic location: 10q22.2.
Variant type: single nucleotide variant.
Coding change: c.897C>T on transcript NM_002658.6 (MANE Select); coding-DNA position 897, C replaced by T.
Protein change: p.Cys299=; no amino-acid change (cysteine 299 retained).
Molecular consequence: synonymous variant.
Genome position (GRCh38, 1-based): chr10:73,914,843, C>T. VCF-style: chr10-73914843-C-T. GRCh37 (hg19) VCF-style: chr10-75674601-C-T.
Other names: p.Cys299=; c.846C>T, p.Cys282= (NM_001145031.3); c.639C>T, p.Cys213= (NM_001319191.2, NM_001441158.1, NM_001441159.1); c.897C>T, p.Cys299= (NM_001441154.1, NM_001441155.1, NM_001441156.1 and 2 more transcripts).
Identifiers: ClinVar variation 4683520 (VCV004683520.1).

ClinVar aggregate classification (germline): Likely benign (1 of 4 stars; one submission).

gnomAD v4.1: 14 of 1,613,970 alleles (0.00087%); highest among the groups gnomAD compares: Non-Finnish European, 0.0011%; no homozygotes.

Submission:

Mayo Clinic Laboratories, Mayo Clinic
Classification: Likely benign. Last evaluated: 2025-08-20. Review status: criteria provided, single submitter. Criteria: ACMG Guidelines, 2015. Collection method: clinical testing. Allele origin: germline. Observed: 1 variant allele.
Comment: BP4, BP7, PM2_supporting